The following is an entry in ClinVar:

NM_030632.3(ASXL3):c.3298del (p.Ala1100fs)

Gene: ASXL3 (ASXL transcriptional regulator 3; plus strand). Cytogenetic location: 18q12.1.
Variant type: Deletion.
Coding change: c.3298del on transcript NM_030632.3 (MANE Select); coding-DNA position 3298, one base deleted (G; older notation c.3298delG).
Protein change: p.Ala1100fs; shifts the reading frame from alanine 1100.
Molecular consequence: frameshift variant.
Genome position (GRCh38, 1-based): chr18:33,743,146, G deleted; the last of 2 consecutive G bases (chr18:33,743,145-33,743,146); deleting either gives the same sequence. VCF-style (leftmost placement, unchanged base first): chr18-33743144-TG-T. GRCh37 (hg19) VCF-style: chr18-31323108-TG-T.
Other names: short protein forms A1100fs.
Identifiers: ClinVar variation 981616 (VCV000981616.3), dbSNP rs2067694046, ClinGen allele CA1139666026.

ClinVar aggregate classification (germline): Likely pathogenic (1 of 4 stars; one submission).

Conditions:
Bainbridge-Ropers syndrome. Also called: Severe feeding difficulties-failure to thrive-microcephaly due to ASXL3 deficiency syndrome. Identifiers: Orphanet 352577, MedGen C4750837, MONDO:0014205, OMIM 615485.

Submission:

Genesis Genoma Lab
Classification: Likely pathogenic for Bainbridge-Ropers syndrome. Last evaluated: 2020-10-16. Review status: criteria provided, single submitter. Criteria: ACMG Guidelines, 2015. Collection method: clinical testing. Allele origin: germline. Inheritance: Autosomal dominant inheritance. Affected: yes. Observed: 1 heterozygote.
Comment: The c.3298delG (p.Ala1100HisfsTer43) variant in ASXL3 gene creates a frameshift and a premature STOP codon assumed to result in the production of a truncated protein. Is is absent from gnomAD database. Multiple LoF variants located downstream of c.3298delG in ASXL3 gene have been reported as pathogenic in ClinVar database. To our knowledge the detected variant has not been reported in the literature yet. Using AGMC criteria (PVS1, PM2) the variant is classified as likely pathogenic.